The following is an entry in ClinVar:

NM_006361.6(HOXB13):c.844_845del (p.Ala282fs)

Gene: HOXB13 (homeobox B13; minus strand). Cytogenetic location: 17q21.32.
Variant type: Microsatellite.
Coding change: c.844_845del on transcript NM_006361.6 (MANE Select); coding-DNA positions 844 to 845, 2 bases deleted (GC; older notation c.844_845delGC).
Protein change: p.Ala282fs; shifts the reading frame from alanine 282.
Molecular consequence: frameshift variant.
Genome position (GRCh38, 1-based): chr17:48,726,800-48,726,801, GC deleted on the plus strand (GC on the coding strand, the reverse complement: HOXB13 is on the minus strand); deleting any 2 consecutive bases within chr17:48,726,800-48,726,803 gives the same sequence; the c. name uses the placement nearest the transcript's 3' end. VCF-style (leftmost placement, unchanged base first): chr17-48726799-AGC-A. GRCh37 (hg19) VCF-style: chr17-46804161-AGC-A.
Other names: c.844_845delGC (NM_006361.5); c.842_843GC[1], p.Ala282Tyrfs (NM_006361.5); short protein forms A282fs.
Identifiers: ClinVar variation 1801654 (VCV001801654.3), dbSNP rs2509512696, ClinGen allele CA2580613155.

ClinVar aggregate classification (germline): Uncertain significance. Review status: criteria provided, single submitter (1 of 4 stars). 2 submissions from 2 submitters: Uncertain significance (1). 1 of the submissions does not count toward it. Last evaluated 2026-08-20.

Conditions:
Hereditary cancer-predisposing syndrome. Also called: Hereditary Cancer Syndrome; Hereditary neoplastic syndrome; Neoplastic Syndromes, Hereditary; Tumor predisposition. Identifiers: Orphanet 140162, MedGen C0027672, MeSH D009386, MONDO:0015356.
Gastric cancer. Also called: Malignant tumor of stomach; Stomach cancer. Identifiers: MedGen C0024623, MeSH D013274, MONDO:0001056, OMIM 613659, HP:0012126.

Submissions (2):

Ambry Genetics
Classification: Uncertain significance for Hereditary cancer-predisposing syndrome. Last evaluated: 2026-08-20. Review status: criteria provided, single submitter. Criteria: Ambry Variant Classification Scheme 2023. Collection method: clinical testing. Allele origin: germline.
Comment: The c.844_845delGC variant, located in coding exon 2 of the HOXB13 gene, results from a deletion of two nucleotides at nucleotide positions 844 to 845, causing a translational frameshift with a predicted alternate stop codon (p.A282Yfs*39). This variant occurs at the 3' terminus of the gene, is not expected to trigger nonsense-mediated mRNAdecay, and impacts the last 35 amino acids of the protein. The exact functional effect of this variant is unknown. Based on the available evidence, the clinical significance of this variant remains unclear.

Laboratory for Genotyping Development, RIKEN
Classification: Pathogenic for Gastric cancer. Last evaluated: 2021-07-01. Review status: no assertion criteria provided. Collection method: research. Allele origin: germline. Not counted in ClinVar's aggregate classification.

Literature cited by the submitters: PubMed 36988593 (cited by Laboratory for Genotyping Development, RIKEN).